The following is an entry in ClinVar:

ClinVar aggregate classification (germline): Uncertain significance (1 of 4 stars; one submission).

Allele frequency attached by ClinVar (database versions not stated): TOPMed below 0.00001.
gnomAD v4.1: 9 of 1,613,372 alleles (0.00056%); highest among the groups gnomAD compares: Non-Finnish European, 0.00076%; no homozygotes.

Submission:

Labcorp Genetics (formerly Invitae), Labcorp
Classification: Uncertain significance. Last evaluated: 2022-02-20. Review status: criteria provided, single submitter. Criteria: Invitae Variant Classification Sherloc (09022015). Collection method: clinical testing. Allele origin: germline.
Comment: This sequence change replaces lysine, which is basic and polar, with asparagine, which is neutral and polar, at codon 826 of the PDE6A protein (p.Lys826Asn). This variant is not present in population databases (gnomAD no frequency). This variant has not been reported in the literature in individuals affected with PDE6A-related conditions. Algorithms developed to predict the effect of missense changes on protein structure and function (SIFT, PolyPhen-2, Align-GVGD) all suggest that this variant is likely to be tolerated. In summary, the available evidence is currently insufficient to determine the role of this variant in disease. Therefore, it has been classified as a Variant of Uncertain Significance.

NM_000440.3(PDE6A):c.2478G>T (p.Lys826Asn)

Gene: PDE6A (phosphodiesterase 6A; minus strand). Cytogenetic location: 5q32.
Variant type: single nucleotide variant.
Coding change: c.2478G>T on transcript NM_000440.3 (MANE Select); coding-DNA position 2478, G replaced by T.
Protein change: p.Lys826Asn; replaces lysine 826 with asparagine.
Molecular consequence: missense variant.
Genome position (GRCh38, 1-based): chr5:149,863,147, C>A on the plus strand (G>T on the coding strand, the complement: PDE6A is on the minus strand). VCF-style: chr5-149863147-C-A. GRCh37 (hg19) VCF-style: chr5-149242710-C-A.
Other names: c.2235G>T, p.Lys745Asn (NM_001410788.1); short protein forms K826N, K745N.
Identifiers: ClinVar variation 1935426 (VCV001935426.2), dbSNP rs1451222649, ClinGen allele CA361708926.
Genomic context (GRCh38, chr5:149,863,147, plus strand): 5'-GGTGGGAGTCCCTGCTTCCCCCTTCCACAAACCTGACTTGGCCGACTGCTGTTTCTGCTT[C>A]TTCTCCTCCTGCACCTTCATCTTGGCATCGTACTCATCAGCAAGCGCCTTCCACTCCTTG-3'
Protein context (NP_000431.2, residues 816-836): YDAKMKVQEE[Lys826Asn]KQKQQSAKSA